The following is an entry in ClinVar:

NM_025161.6(FAAP100):c.1845C>T (p.Ala615=)

Gene: FAAP100 (FA core complex associated protein 100; minus strand). Cytogenetic location: 17q25.3.
Variant type: single nucleotide variant.
Coding change: c.1845C>T on transcript NM_025161.6 (MANE Select); coding-DNA position 1845, C replaced by T.
Protein change: p.Ala615=; no amino-acid change (alanine 615 retained).
Molecular consequence: synonymous variant. On other transcripts: non-coding transcript variant (1).
Genome position (GRCh38, 1-based): chr17:81,547,237, G>A on the plus strand (C>T on the coding strand, the complement: FAAP100 is on the minus strand). VCF-style: chr17-81547237-G-A. GRCh37 (hg19) VCF-style: chr17-79514263-G-A.
Identifiers: ClinVar variation 4872385 (VCV004872385.3).

ClinVar aggregate classification (germline): Likely benign. Review status: criteria provided, multiple submitters, no conflicts (2 of 4 stars). 2 submissions from 2 submitters: Likely benign (2). Last evaluated 2026-05-01.

Submissions (2):

CeGaT Center for Human Genetics Tuebingen
Classification: Likely benign. Last evaluated: 2026-05-01. Review status: criteria provided, single submitter. Criteria: CeGaT Center For Human Genetics Tuebingen Variant Classification Criteria Version 2. Collection method: clinical testing. Allele origin: germline. Affected: yes. Observed: 1 variant allele.
Comment: FAAP100: BP4, BS2

Blueprint Genetics
Classification: Likely benign. Last evaluated: 2024-11-13. Review status: criteria provided, single submitter. Criteria: ACMG Guidelines, 2015. Collection method: clinical testing. Allele origin: germline.